The following is an entry in ClinVar:

ClinVar aggregate classification (germline): Likely pathogenic (1 of 4 stars; one submission).

Submission:

GeneDx
Classification: Likely pathogenic. Last evaluated: 2016-06-27. Review status: criteria provided, single submitter. Criteria: GeneDx Variant Classification (06012015). Collection method: clinical testing. Allele origin: germline. Affected: yes.
Comment: The c.2696-2A>G variant in the TRIM37 gene has not been reported previously as a pathogenic variant nor as a benign variant, to our knowledge. This splice site variant destroys the canonical splice acceptor site in intron 22. It is predicted to cause abnormal gene splicing, either leading to an abnormal message that is subject to nonsense-mediated mRNA decay, or to an abnormal protein product if the message is used for protein translation. The c.2696-2A>G variant was not observed in approximately 6500 individuals of European and African American ancestry in the NHLBI Exome Sequencing Project, indicating it is not a common benign variant in these populations. Based on review of the data in the context of the 2015 ACMG standards and guidelines for the interpretation of sequence variants (Richards et al., 2015), we now interpret c.2696-2A>G as a likely pathogenic variant.

NM_015294.6(TRIM37):c.2696-2A>G

Genes: TRIM37 (tripartite motif containing 37; minus strand), LOC126862606 (CDK7 strongly-dependent group 2 enhancer GRCh37_chr17:57078614-57079813; plus strand). Cytogenetic location: 17q22.
Variant type: single nucleotide variant.
Coding change: c.2696-2A>G on transcript NM_015294.6 (MANE Select); the canonical splice acceptor site of the intron before coding-DNA position 2696, A replaced by G.
Molecular consequence: splice acceptor variant. On other transcripts: synonymous variant (2), non-coding transcript variant (2), intron variant (3).
Genome position (GRCh38, 1-based): chr17:59,001,716, T>C on the plus strand (A>G on the coding strand, the complement: TRIM37 is on the minus strand). VCF-style: chr17-59001716-T-C. GRCh37 (hg19) VCF-style: chr17-57079077-T-C.
Other names: c.2619A>G, p.Pro873= (NM_001353082.2); c.2721A>G, p.Pro907= (NM_001353084.2); c.2696-2257A>G (NM_001320989.3, NM_001320988.3); c.2696-2A>G (NM_001005207.5); c.2234-2A>G (NM_001353085.2); c.2594-2A>G (NM_001320987.3); c.2645-2A>G (NM_001353086.2); c.1961-2A>G (NM_001353083.2); and 1 more.
Identifiers: ClinVar variation 265280 (VCV000265280.2), dbSNP rs886039445, ClinGen allele CA10588668.